The following is an entry in ClinVar:

NM_001127511.3(APC):c.-164G>A

Gene: APC (APC regulator of Wnt signaling pathway; plus strand). Cytogenetic location: 5q22.2.
Variant type: single nucleotide variant.
Coding change: c.-164G>A on transcript NM_001127511.3; 164 bases upstream of the start codon, G replaced by A.
Molecular consequence: 5 prime UTR variant. On other transcripts: non-coding transcript variant (2).
Genome position (GRCh38, 1-based): chr5:112,707,554, G>A. VCF-style: chr5-112707554-G-A. GRCh37 (hg19) VCF-style: chr5-112043251-G-A.
Other names: c.-347G>A (NM_001354895.2, NM_001407447.1, NM_001407452.1 and 3 more transcripts); c.-164G>A (NM_001354897.2, NM_001354902.2, NM_001407446.1); c.-114G>A (NM_001407448.1, NM_001407450.1, NM_001407457.1 and 1 more transcripts); c.-138G>A (NM_001407453.1); c.-1382G>A (NM_001407470.1, NM_001407472.1).
Identifiers: ClinVar variation 1020544 (VCV001020544.9), dbSNP rs1750576080, ClinGen allele CA1573442434.

ClinVar aggregate classification (germline): Uncertain significance (1 of 4 stars; one submission).

Conditions:
Familial adenomatous polyposis 1 (FAP1). Also called: FAMILIAL ADENOMATOUS POLYPOSIS 1, ATTENUATED; POLYPOSIS, ADENOMATOUS INTESTINAL. Identifiers: MedGen C2713442, MONDO:0021056, OMIM 175100. Disease mechanism: loss of function.

Submission:

Labcorp Genetics (formerly Invitae), Labcorp
Classification: Uncertain significance for Familial adenomatous polyposis 1. Last evaluated: 2025-04-28. Review status: criteria provided, single submitter. Criteria: Invitae Variant Classification Sherloc (09022015). Collection method: clinical testing. Allele origin: germline.
Comment: This variant occurs in a non-coding region of the APC gene. It does not change the encoded amino acid sequence of the APC protein. This variant is not present in population databases (gnomAD no frequency). This variant has not been reported in the literature in individuals affected with APC-related conditions. Experimental studies and prediction algorithms are not available or were not evaluated, and the functional significance of this variant is currently unknown. In summary, the available evidence is currently insufficient to determine the role of this variant in disease. Therefore, it has been classified as a Variant of Uncertain Significance.